The following is an entry in ClinVar:

ClinVar aggregate classification (germline): Likely benign. Review status: criteria provided, multiple submitters, no conflicts (2 of 4 stars). 2 submissions from 2 submitters: Likely benign (2). Last evaluated 2024-10-04.

Conditions:
Familial cancer of breast. Also called: BREAST CANCER, FAMILIAL; Hereditary breast cancer; hereditary breast carcinoma. Identifiers: Orphanet 227535, MedGen C0346153, MONDO:0016419, OMIM 114480. Disease mechanism: loss of function.

Submissions (2):

Myriad Genetics, Inc.
Classification: Likely benign for Familial cancer of breast. Last evaluated: 2024-10-04. Review status: criteria provided, single submitter. Criteria: Myriad Autosomal Dominant, Autosomal Recessive and X-Linked Classification Criteria (2023). Collection method: clinical testing. Allele origin: unknown.
Comment: This variant is considered likely benign. This variant is intronic and is not expected to impact mRNA splicing.

Labcorp Genetics (formerly Invitae), Labcorp
Classification: Likely benign for Familial cancer of breast. Last evaluated: 2023-12-06. Review status: criteria provided, single submitter. Criteria: Invitae Variant Classification Sherloc (09022015). Collection method: clinical testing. Allele origin: germline.

NM_007194.4(CHEK2):c.1008+6dup

Gene: CHEK2 (checkpoint kinase 2; minus strand). Cytogenetic location: 22q12.1.
Variant type: Duplication.
Coding change: c.1008+6dup on transcript NM_007194.4 (MANE Select); 6 bases into the intron after coding-DNA position 1008, one base duplicated (A; older notation c.1008+6dupA).
Molecular consequence: intron variant.
Genome position (GRCh38, 1-based): chr22:28,699,832, T duplicated on the plus strand (A on the coding strand, the reverse complement: CHEK2 is on the minus strand); the first of 4 consecutive T bases (chr22:28,699,832-28,699,835); duplicating any one gives the same sequence. VCF-style (leftmost placement, unchanged base first): chr22-28699831-C-CT. GRCh37 (hg19) VCF-style: chr22-29095819-C-CT.
Other names: c.345+6dup (NM_001437942.1, NM_001257387.3); c.807+6dup (NM_001349956.3); c.1008+6dup (NM_145862.3); c.1101+6dup (NM_001438295.1, NM_001438293.1); c.1137+6dup (NM_001438294.1, NM_001005735.3).
Identifiers: ClinVar variation 1121131 (VCV001121131.11), dbSNP rs2145841181, ClinGen allele CA2499226070.